The following is an entry in ClinVar:

NM_001369268.1(ACAN):c.1885G>A (p.Asp629Asn)

Gene: ACAN (aggrecan; plus strand). Cytogenetic location: 15q26.1.
Variant type: single nucleotide variant.
Coding change: c.1885G>A on transcript NM_001369268.1 (MANE Select); coding-DNA position 1885, G replaced by A.
Protein change: p.Asp629Asn; replaces aspartic acid 629 with asparagine.
Molecular consequence: missense variant.
Genome position (GRCh38, 1-based): chr15:88,849,590, G>A. VCF-style: chr15-88849590-G-A. GRCh37 (hg19) VCF-style: chr15-89392821-G-A.
Other names: c.1885G>A, p.Asp629Asn (NM_001135.4, NM_001411096.1, NM_001411097.1 and 1 more transcripts); short protein forms D629N.
Identifiers: ClinVar variation 4690853 (VCV004690853.1).

ClinVar aggregate classification (germline): Uncertain significance (1 of 4 stars; one submission).

gnomAD v4.1: 39 of 1,608,174 alleles (0.0024%); highest among the groups gnomAD compares: South Asian, 0.0044%; no homozygotes.

Submission:

Labcorp Genetics (formerly Invitae), Labcorp
Classification: Uncertain significance. Last evaluated: 2025-11-01. Review status: criteria provided, single submitter. Criteria: Invitae Variant Classification Sherloc (09022015). Collection method: clinical testing. Allele origin: germline.
Comment: This sequence change replaces aspartic acid, which is acidic and polar, with asparagine, which is neutral and polar, at codon 629 of the ACAN protein (p.Asp629Asn). This variant is present in population databases (rs369864209, gnomAD 0.01%). This variant has not been reported in the literature in individuals affected with ACAN-related conditions. Invitae Evidence Modeling of protein sequence and biophysical properties (such as structural, functional, and spatial information, amino acid conservation, physicochemical variation, residue mobility, and thermodynamic stability) indicates that this missense variant is not expected to disrupt ACAN protein function with a negative predictive value of 80%. In summary, the available evidence is currently insufficient to determine the role of this variant in disease. Therefore, it has been classified as a Variant of Uncertain Significance.